The following is an entry in ClinVar:

ClinVar aggregate classification (germline): Uncertain significance (1 of 4 stars; one submission).

Submission:

GeneDx
Classification: Uncertain significance. Last evaluated: 2026-01-21. Review status: criteria provided, single submitter. Criteria: GeneDx Variant Classification Process June 2021. Collection method: clinical testing. Allele origin: germline.
Comment: Not observed at significant frequency in large population cohorts (gnomAD); In silico analysis supports a deleterious effect on splicing; Has not been previously published as pathogenic or benign to our knowledge

NM_000252.3(MTM1):c.1468-13T>A

Gene: MTM1 (myotubularin 1; plus strand). Cytogenetic location: Xq28.
Variant type: single nucleotide variant.
Coding change: c.1468-13T>A on transcript NM_000252.3 (MANE Select); 13 bases into the intron before coding-DNA position 1468, T replaced by A.
Molecular consequence: intron variant.
Genome position (GRCh38, 1-based): chrX:150,663,420, T>A. VCF-style: chrX-150663420-T-A. GRCh37 (hg19) VCF-style: chrX-149831893-T-A.
Other names: c.1468-13T>A (NM_001376908.1, NM_001376906.1); c.1357-13T>A (NM_001376907.1).
Identifiers: ClinVar variation 4975471 (VCV004975471.1).